The following is an entry in ClinVar:

NM_000183.3(HADHB):c.685C>T (p.Arg229Ter)

Gene: HADHB (hydroxyacyl-CoA dehydrogenase trifunctional multienzyme complex subunit beta; plus strand). Cytogenetic location: 2p23.3.
Variant type: single nucleotide variant.
Coding change: c.685C>T on transcript NM_000183.3 (MANE Select); coding-DNA position 685, C replaced by T.
Protein change: p.Arg229Ter; replaces arginine 229 with a stop codon.
Molecular consequence: nonsense.
Genome position (GRCh38, 1-based): chr2:26,279,189, C>T. VCF-style: chr2-26279189-C-T. GRCh37 (hg19) VCF-style: chr2-26502057-C-T.
Other names: c.640C>T, p.Arg214Ter (NM_001281512.2); c.619C>T, p.Arg207Ter (NM_001281513.2); short protein forms R229*, R214*, R207*.
Identifiers: ClinVar variation 579455 (VCV000579455.11), dbSNP rs759136382, ClinGen allele CA1560314.
Genomic context (GRCh38, chr2:26,279,189, plus strand): 5'-TCCCAGCTCCCTGCGGTTTCTGAGTTCTCCACCAGTGAGACCATGGGCCACTCTGCAGAC[C>T]GACTGGCCGCTGCCTTTGCTGTTTCTCGGCTGGAACAGGATGAATATGCACTGCGCTCTC-3'

ClinVar aggregate classification (germline): Pathogenic. Review status: criteria provided, multiple submitters, no conflicts (2 of 4 stars). 2 submissions from 2 submitters: Pathogenic (2). Last evaluated 2023-03-07.

Conditions:
Mitochondrial trifunctional protein deficiency 2 (MTPD2). Identifiers: MedGen C5830374, MONDO:0958185, OMIM 620300.
Mitochondrial trifunctional protein deficiency. Identifiers: Orphanet 746, MedGen C1969443, MONDO:0012172.

Allele frequency attached by ClinVar (database versions not stated): ExAC 0.00002.
gnomAD v4.1: 12 of 1,613,602 alleles (0.00074%); highest among the groups gnomAD compares: Admixed American, 0.0017%; no homozygotes.

Submissions (2):

Labcorp Genetics (formerly Invitae), Labcorp
Classification: Pathogenic for Mitochondrial trifunctional protein deficiency. Last evaluated: 2023-03-07. Review status: criteria provided, single submitter. Criteria: Invitae Variant Classification Sherloc (09022015). Collection method: clinical testing. Allele origin: germline.
Comment: For these reasons, this variant has been classified as Pathogenic. ClinVar contains an entry for this variant (Variation ID: 579455). This premature translational stop signal has been observed in individual(s) with a fatty acid oxidation disorder (PMID: 12754706). This variant is present in population databases (rs759136382, gnomAD 0.006%). This sequence change creates a premature translational stop signal (p.Arg229*) in the HADHB gene. It is expected to result in an absent or disrupted protein product. Loss-of-function variants in HADHB are known to be pathogenic (PMID: 9259266, 12754706).

Revvity Omics, Revvity
Classification: Pathogenic for Mitochondrial trifunctional protein deficiency 2. Last evaluated: 2022-01-17. Review status: criteria provided, single submitter. Criteria: ACMG Guidelines, 2015. Collection method: clinical testing. Allele origin: germline.

Literature cited by the submitters: PubMed 12754706 (cited by Labcorp Genetics (formerly Invitae), Labcorp); PubMed 9259266 (cited by Labcorp Genetics (formerly Invitae), Labcorp).